The following is an entry in ClinVar:

ClinVar aggregate classification (germline): Uncertain significance (1 of 4 stars; one submission).

Allele frequency attached by ClinVar (database versions not stated): gnomAD exomes below 0.00001; TOPMed below 0.00001; gnomAD 0.00001.
gnomAD v4.1: 3 of 1,613,428 alleles (0.00019%); highest among the groups gnomAD compares: Non-Finnish European, 0.00025%; no homozygotes.

Submission:

Labcorp Genetics (formerly Invitae), Labcorp
Classification: Uncertain significance. Last evaluated: 2022-01-13. Review status: criteria provided, single submitter. Criteria: Invitae Variant Classification Sherloc (09022015). Collection method: clinical testing. Allele origin: germline.
Comment: In summary, the available evidence is currently insufficient to determine the role of this variant in disease. Therefore, it has been classified as a Variant of Uncertain Significance. This sequence change replaces alanine, which is neutral and non-polar, with threonine, which is neutral and polar, at codon 20 of the RECQL protein (p.Ala20Thr). This variant is not present in population databases (gnomAD no frequency). This variant has not been reported in the literature in individuals affected with RECQL-related conditions. Algorithms developed to predict the effect of missense changes on protein structure and function (SIFT, PolyPhen-2, Align-GVGD) all suggest that this variant is likely to be tolerated.

NM_002907.4(RECQL):c.58G>A (p.Ala20Thr)

Gene: RECQL (RecQ like helicase; minus strand). Cytogenetic location: 12p12.1.
Variant type: single nucleotide variant.
Coding change: c.58G>A on transcript NM_002907.4 (MANE Select); coding-DNA position 58, G replaced by A.
Protein change: p.Ala20Thr; replaces alanine 20 with threonine.
Molecular consequence: missense variant.
Genome position (GRCh38, 1-based): chr12:21,491,675, C>T on the plus strand (G>A on the coding strand, the complement: RECQL is on the minus strand). VCF-style: chr12-21491675-C-T. GRCh37 (hg19) VCF-style: chr12-21644609-C-T.
Other names: c.58G>A, p.Ala20Thr (NM_032941.3); short protein forms A20T.
Identifiers: ClinVar variation 1984638 (VCV001984638.4), dbSNP rs1347927533, ClinGen allele CA384134660.